The following is an entry in ClinVar:

NM_024989.4(PGAP1):c.1085A>T (p.Tyr362Phe)

Gene: PGAP1 (post-GPI attachment to proteins inositol deacylase 1; minus strand). Cytogenetic location: 2q33.1.
Variant type: single nucleotide variant.
Coding change: c.1085A>T on transcript NM_024989.4 (MANE Select); coding-DNA position 1085, A replaced by T.
Protein change: p.Tyr362Phe; replaces tyrosine 362 with phenylalanine.
Molecular consequence: missense variant. On other transcripts: intron variant (1).
Genome position (GRCh38, 1-based): chr2:196,892,350, T>A on the plus strand (A>T on the coding strand, the complement: PGAP1 is on the minus strand). VCF-style: chr2-196892350-T-A. GRCh37 (hg19) VCF-style: chr2-197757074-T-A.
Other names: c.563A>T, p.Tyr188Phe (NM_001321099.2); c.-79+790A>T (NM_001321100.2); short protein forms Y188F, Y362F.
Identifiers: ClinVar variation 2067084 (VCV002067084.4), dbSNP rs1410661840, ClinGen allele CA350175724.
Genomic context (GRCh38, chr2:196,892,350, plus strand): 5'-ATACTAAATTATTTCTGGAAAAAACATGAAAAAAAATCCATTGGTGGAATACTTACGTTG[T>A]AAGCTACATAGGTCCATTTGGACACTTTTACTAGAACCCACATAGATGTCCCTGAAGGTA-3'
Protein context (NP_079265.2, residues 352-372): VKVSKWTYVA[Tyr362Phe]NESEKIYFTF

ClinVar aggregate classification (germline): Uncertain significance (1 of 4 stars; one submission).

Conditions:
Intellectual disability, autosomal recessive 42 (NEDDSBA). Also called: GLYCOSYLPHOSPHATIDYLINOSITOL BIOSYNTHESIS DEFECT 9; Neurodevelopmental disorder with dysmorphic features, spasticity, and brain abnormalities. Identifiers: Orphanet 88616, MedGen C4014343, MONDO:0014348, OMIM 615802.

Allele frequency attached by ClinVar (database versions not stated): gnomAD exomes below 0.00001; gnomAD 0.00001.
gnomAD v4.1: 4 of 1,429,442 alleles (0.00028%); highest among the groups gnomAD compares: Admixed American, 0.0084%; no homozygotes.

Submission:

Labcorp Genetics (formerly Invitae), Labcorp
Classification: Uncertain significance for Intellectual disability, autosomal recessive 42. Last evaluated: 2022-08-02. Review status: criteria provided, single submitter. Criteria: Invitae Variant Classification Sherloc (09022015). Collection method: clinical testing. Allele origin: germline.
Comment: In summary, the available evidence is currently insufficient to determine the role of this variant in disease. Therefore, it has been classified as a Variant of Uncertain Significance. This sequence change replaces tyrosine, which is neutral and polar, with phenylalanine, which is neutral and non-polar, at codon 362 of the PGAP1 protein (p.Tyr362Phe). Algorithms developed to predict the effect of missense changes on protein structure and function output the following: SIFT: "Tolerated"; PolyPhen-2: "Benign"; Align-GVGD: "Class C0". The phenylalanine amino acid residue is found in multiple mammalian species, which suggests that this missense change does not adversely affect protein function. This variant has not been reported in the literature in individuals affected with PGAP1-related conditions. This variant is present in population databases (no rsID available, gnomAD 0.005%).